The following is an entry in ClinVar:

NM_000492.4(CFTR):c.137C>A (p.Ala46Asp)

Gene: CFTR (CF transmembrane conductance regulator; plus strand). Cytogenetic location: 7q31.2.
Variant type: single nucleotide variant.
Coding change: c.137C>A on transcript NM_000492.4 (MANE Select); coding-DNA position 137, C replaced by A.
Protein change: p.Ala46Asp; replaces alanine 46 with aspartic acid.
Molecular consequence: missense variant.
Genome position (GRCh38, 1-based): chr7:117,504,336, C>A. VCF-style: chr7-117504336-C-A. GRCh37 (hg19) VCF-style: chr7-117144390-C-A.
Other names: short protein forms A46D.
Identifiers: ClinVar variation 53238 (VCV000053238.8), dbSNP rs151020603, ClinGen allele CA326462.
Genomic context (GRCh38, chr7:117,504,336, plus strand): 5'-AAGGATACAGACAGCGCCTGGAATTGTCAGACATATACCAAATCCCTTCTGTTGATTCTG[C>A]TGACAATCTATCTGAAAAATTGGAAAGGTATGTTCATGTACATTGTTTAGTTGAAGAGAG-3'
Protein context (NP_000483.3, residues 36-56): DIYQIPSVDS[Ala46Asp]DNLSEKLERE

ClinVar aggregate classification (germline): Pathogenic. Review status: reviewed by expert panel (3 of 4 stars). 6 submissions from 6 submitters: Pathogenic (1). 5 of the submissions do not count toward it. Last evaluated 2017-03-17.

Conditions:
Cystic fibrosis (CF). Also called: MUCOVISCIDOSIS. Identifiers: Orphanet 586, MedGen C0010674, MONDO:0009061, OMIM 219700. Disease mechanism: loss of function.

Submissions (6):

CFTR2
Classification: Pathogenic for Cystic fibrosis. Last evaluated: 2017-03-17. Review status: reviewed by expert panel. Criteria: Sosnay PR et al. (Nat Genet 2013). Collection method: research. Allele origin: germline. Affected: yes. Study: CFTR2.

Women's Health and Genetics/Laboratory Corporation of America, LabCorp
Classification: Pathogenic for Cystic fibrosis. Last evaluated: 2026-03-30. Review status: criteria provided, single submitter. Criteria: LabCorp Variant Classification Summary - May 2015. Collection method: clinical testing. Allele origin: germline. Not counted in ClinVar's aggregate classification.
Comment: Variant summary: CFTR c.137C>A (p.Ala46Asp) results in a non-conservative amino acid change in the encoded protein sequence. Algorithms developed to predict the effect of missense changes on protein structure and function all suggest that this variant is likely to be disruptive. The variant was absent in 250758 control chromosomes (gnomAD). c.137C>A has been observed in multiple individuals affected with Cystic Fibrosis (e.g. Tzetis_1995, Geurts_2020). These data indicate that the variant is very likely to be associated with disease. The most pronounced variant effect resulted in approximately 1% of normal chloride channel conductance relative to wild type (e.g., Bihler_2024). The following publications have been ascertained in the context of this evaluation (PMID: 38388235, 9003508, 7477025, 32084388). ClinVar contains an entry for this variant (Variation ID: 53238). Based on the evidence outlined above, the variant was classified as pathogenic.

Labcorp Genetics (formerly Invitae), Labcorp
Classification: Pathogenic for Cystic fibrosis. Last evaluated: 2023-04-28. Review status: criteria provided, single submitter. Criteria: Invitae Variant Classification Sherloc (09022015). Collection method: clinical testing. Allele origin: germline. Not counted in ClinVar's aggregate classification.
Comment: For these reasons, this variant has been classified as Pathogenic. Advanced modeling of protein sequence and biophysical properties (such as structural, functional, and spatial information, amino acid conservation, physicochemical variation, residue mobility, and thermodynamic stability) performed at Invitae indicates that this missense variant is expected to disrupt CFTR protein function. ClinVar contains an entry for this variant (Variation ID: 53238). This missense change has been observed in individual(s) with cystic fibrosis (PMID: 7477025). In at least one individual the data is consistent with being in trans (on the opposite chromosome) from a pathogenic variant. This variant is not present in population databases (gnomAD no frequency). This sequence change replaces alanine, which is neutral and non-polar, with aspartic acid, which is acidic and polar, at codon 46 of the CFTR protein (p.Ala46Asp).

CFTR-France
Classification: Pathogenic for cystic fibrosis. Last evaluated: 2018-01-29. Review status: criteria provided, single submitter. Criteria: Claustres M et al. (Hum Mutat 2017). Collection method: curation. Allele origin: germline. Affected: yes. Not counted in ClinVar's aggregate classification.

Natera, Inc.
Classification: Pathogenic for Cystic Fibrosis. Last evaluated: 2020-09-16. Review status: no assertion criteria provided. Collection method: clinical testing. Allele origin: germline. Not counted in ClinVar's aggregate classification.

Counsyl
Classification: Likely pathogenic for Cystic fibrosis. Last evaluated: 2018-05-17. Review status: no assertion criteria provided. Collection method: clinical testing. Allele origin: unknown. Not counted in ClinVar's aggregate classification.

Literature cited by the submitters: PubMed 9003508 (cited by Women's Health and Genetics/Laboratory Corporation of America, LabCorp); PubMed 32084388 (cited by Women's Health and Genetics/Laboratory Corporation of America, LabCorp); PubMed 38388235 (cited by Women's Health and Genetics/Laboratory Corporation of America, LabCorp); PubMed 7477025 (cited by Women's Health and Genetics/Laboratory Corporation of America, LabCorp and Labcorp Genetics (formerly Invitae), Labcorp); PubMed 12752573 (cited by Counsyl); PubMed 12439892 (cited by Counsyl); PubMed 27049043 (cited by Counsyl); PubMed 23891399 (cited by Counsyl).